The following is an entry in ClinVar:

NM_015559.3(SETBP1):c.83C>T (p.Pro28Leu)

Gene: SETBP1 (SET binding protein 1; plus strand). Cytogenetic location: 18q12.3.
Variant type: single nucleotide variant.
Coding change: c.83C>T on transcript NM_015559.3 (MANE Select); coding-DNA position 83, C replaced by T.
Protein change: p.Pro28Leu; replaces proline 28 with leucine.
Molecular consequence: missense variant.
Genome position (GRCh38, 1-based): chr18:44,701,429, C>T. VCF-style: chr18-44701429-C-T. GRCh37 (hg19) VCF-style: chr18-42281394-C-T.
Other names: c.83C>T, p.Pro28Leu (NM_001130110.2, NM_001379141.1, NM_001379142.1 and 1 more transcripts); short protein forms P28L.
Identifiers: ClinVar variation 2056393 (VCV002056393.4), dbSNP rs915986492, ClinGen allele CA299822469.

ClinVar aggregate classification (germline): Uncertain significance (1 of 4 stars; one submission).

Allele frequency attached by ClinVar (database versions not stated): gnomAD exomes below 0.00001; TOPMed below 0.00001.
gnomAD v4.1: 3 of 1,603,118 alleles (0.00019%); highest among the groups gnomAD compares: Non-Finnish European, 0.00026%; no homozygotes.

Submission:

Labcorp Genetics (formerly Invitae), Labcorp
Classification: Uncertain significance. Last evaluated: 2026-02-03. Review status: criteria provided, single submitter. Criteria: Invitae Variant Classification Sherloc (09022015). Collection method: clinical testing. Allele origin: germline.
Comment: This sequence change replaces proline, which is neutral and non-polar, with leucine, which is neutral and non-polar, at codon 28 of the SETBP1 protein (p.Pro28Leu). This variant is not present in population databases (gnomAD no frequency). This variant has not been reported in the literature in individuals affected with SETBP1-related conditions. ClinVar contains an entry for this variant (Variation ID: 2056393). An algorithm developed to predict the effect of missense changes on protein structure and function outputs the following: PolyPhen-2: "Benign". The leucine amino acid residue is found in multiple mammalian species, which suggests that this missense change does not adversely affect protein function. In summary, the available evidence is currently insufficient to determine the role of this variant in disease. Therefore, it has been classified as a Variant of Uncertain Significance.